The following is an entry in ClinVar:

ClinVar aggregate classification (germline): Uncertain significance. Review status: criteria provided, multiple submitters, no conflicts (2 of 4 stars). 2 submissions from 2 submitters: Uncertain significance (2). Last evaluated 2025-03-30.

Conditions:
Cardiovascular phenotype. Identifiers: MedGen CN230736.
RASopathy. Also called: Noonan spectrum disorder; rasopathies. Identifiers: Orphanet 536391, MedGen C5555857, MONDO:0021060.

Allele frequency attached by ClinVar (database versions not stated): gnomAD exomes below 0.00001; gnomAD 0.00001; TOPMed 0.00001; 1000 Genomes Project 30x 0.00016; 1000 Genomes Project 0.00020.
gnomAD v4.1: 1 of 1,614,136 alleles (0.000062%); highest among the groups gnomAD compares: Non-Finnish European, 0.000085%; no homozygotes.

Submissions (2):

Labcorp Genetics (formerly Invitae), Labcorp
Classification: Uncertain significance for RASopathy. Last evaluated: 2025-03-30. Review status: criteria provided, single submitter. Criteria: Invitae Variant Classification Sherloc (09022015). Collection method: clinical testing. Allele origin: germline.
Comment: This sequence change replaces alanine, which is neutral and non-polar, with threonine, which is neutral and polar, at codon 513 of the CBL protein (p.Ala513Thr). This variant is not present in population databases (gnomAD no frequency). This variant has not been reported in the literature in individuals affected with CBL-related conditions. ClinVar contains an entry for this variant (Variation ID: 848394). Invitae Evidence Modeling of protein sequence and biophysical properties (such as structural, functional, and spatial information, amino acid conservation, physicochemical variation, residue mobility, and thermodynamic stability) indicates that this missense variant is not expected to disrupt CBL protein function with a negative predictive value of 95%. In summary, the available evidence is currently insufficient to determine the role of this variant in disease. Therefore, it has been classified as a Variant of Uncertain Significance.

Ambry Genetics
Classification: Uncertain significance for Cardiovascular phenotype. Last evaluated: 2025-02-09. Review status: criteria provided, single submitter. Criteria: Ambry Variant Classification Scheme 2023. Collection method: clinical testing. Allele origin: germline.
Comment: The p.A513T variant (also known as c.1537G>A), located in coding exon 10 of the CBL gene, results from a G to A substitution at nucleotide position 1537. The alanine at codon 513 is replaced by threonine, an amino acid with similar properties. This amino acid position is conserved. In addition, this alteration is predicted to be tolerated by in silico analysis. Based on the available evidence, the clinical significance of this variant remains unclear.

NM_005188.4(CBL):c.1537G>A (p.Ala513Thr)

Gene: CBL (Cbl proto-oncogene; plus strand). Cytogenetic location: 11q23.3.
Variant type: single nucleotide variant.
Coding change: c.1537G>A on transcript NM_005188.4 (MANE Select); coding-DNA position 1537, G replaced by A.
Protein change: p.Ala513Thr; replaces alanine 513 with threonine.
Molecular consequence: missense variant.
Genome position (GRCh38, 1-based): chr11:119,285,074, G>A. VCF-style: chr11-119285074-G-A. GRCh37 (hg19) VCF-style: chr11-119155784-G-A.
Other names: c.1537G>A (NM_005188.2); short protein forms A513T.
Identifiers: ClinVar variation 848394 (VCV000848394.11), dbSNP rs200442365, ClinGen allele CA229641977.